The following is an entry in ClinVar:

ClinVar aggregate classification (germline): Uncertain significance (1 of 4 stars; one submission).

Conditions:
SEMA3A-related disorder. Also called: SEMA3A-related condition.

gnomAD v4.1: 3 of 1,613,442 alleles (0.00019%); highest among the groups gnomAD compares: Non-Finnish European, 0.00025%; no homozygotes.

Submission:

PreventionGenetics, part of Exact Sciences
Classification: Uncertain significance for SEMA3A-related condition. Last evaluated: 2025-12-02. Review status: criteria provided, single submitter. Criteria: ACMG Guidelines, 2015. Collection method: clinical testing. Allele origin: germline.
Comment: The SEMA3A c.1331G>A variant is predicted to result in the amino acid substitution p.Gly444Glu. To our knowledge, this variant has not been reported in the literature or in a large population database (gnomAD), indicating this variant is rare. At this time, the clinical significance of this variant is uncertain due to the absence of conclusive functional and genetic evidence.

NM_006080.3(SEMA3A):c.1331G>A (p.Gly444Glu)

Gene: SEMA3A (semaphorin 3A; minus strand). Cytogenetic location: 7q21.11.
Variant type: single nucleotide variant.
Coding change: c.1331G>A on transcript NM_006080.3 (MANE Select); coding-DNA position 1331, G replaced by A.
Protein change: p.Gly444Glu; replaces glycine 444 with glutamic acid.
Molecular consequence: missense variant.
Genome position (GRCh38, 1-based): chr7:84,005,368, C>T on the plus strand (G>A on the coding strand, the complement: SEMA3A is on the minus strand). VCF-style: chr7-84005368-C-T. GRCh37 (hg19) VCF-style: chr7-83634684-C-T.
Other names: short protein forms G444E.
Identifiers: ClinVar variation 4990851 (VCV004990851.1).
Genomic context (GRCh38, chr7:84,005,368, plus strand): 5'-AAAAGTTTACAGCTGAAATTTAAAAATTTACCTGTTCCGATAAACATAACATCATACTGT[C>T]CATCTTCTGCATCCACTCGGTCTACGACAATTTGTGTAAATTGATAATTTACATCCGTTT-3'
Protein context (NP_006071.1, residues 434-454): IVVDRVDAED[Gly444Glu]QYDVMFIGTD